The following is an entry in ClinVar:

NM_000135.4(FANCA):c.19C>A (p.Pro7Thr)

Genes: FANCA (FA complementation group A; minus strand), LOC112486223 (Sharpr-MPRA regulatory region 3988; plus strand). Cytogenetic location: 16q24.3.
Variant type: single nucleotide variant.
Coding change: c.19C>A on transcript NM_000135.4 (MANE Select); coding-DNA position 19, C replaced by A.
Protein change: p.Pro7Thr; replaces proline 7 with threonine.
Molecular consequence: missense variant.
Genome position (GRCh38, 1-based): chr16:89,816,597, G>T on the plus strand (C>A on the coding strand, the complement: FANCA is on the minus strand). VCF-style: chr16-89816597-G-T. GRCh37 (hg19) VCF-style: chr16-89883005-G-T.
Other names: c.19C>A, p.Pro7Thr (NM_001018112.3, NM_001286167.3, NM_001351830.2); short protein forms P7T.
Identifiers: ClinVar variation 2160541 (VCV002160541.6), dbSNP rs780667753, ClinGen allele CA397484602.

ClinVar aggregate classification (germline): Uncertain significance. Review status: criteria provided, multiple submitters, no conflicts (2 of 4 stars). 2 submissions from 2 submitters: Uncertain significance (2). Last evaluated 2025-08-20.

Conditions:
Inborn genetic diseases. Identifiers: MedGen C0950123, MeSH D030342.
Fanconi anemia (FA). Also called: Fanconi's anemia. Identifiers: Orphanet 84, MedGen C0015625, MeSH D005199, MONDO:0019391.

Submissions (2):

Ambry Genetics
Classification: Uncertain significance for Inborn genetic diseases. Last evaluated: 2025-08-20. Review status: criteria provided, single submitter. Criteria: Ambry Variant Classification Scheme 2023. Collection method: clinical testing. Allele origin: germline.

Labcorp Genetics (formerly Invitae), Labcorp
Classification: Uncertain significance for Fanconi anemia. Last evaluated: 2022-04-18. Review status: criteria provided, single submitter. Criteria: Invitae Variant Classification Sherloc (09022015). Collection method: clinical testing. Allele origin: germline.
Comment: In summary, the available evidence is currently insufficient to determine the role of this variant in disease. Therefore, it has been classified as a Variant of Uncertain Significance. Advanced modeling of protein sequence and biophysical properties (such as structural, functional, and spatial information, amino acid conservation, physicochemical variation, residue mobility, and thermodynamic stability) performed at Invitae indicates that this missense variant is not expected to disrupt FANCA protein function. This variant has not been reported in the literature in individuals affected with FANCA-related conditions. This variant is not present in population databases (gnomAD no frequency). This sequence change replaces proline, which is neutral and non-polar, with threonine, which is neutral and polar, at codon 7 of the FANCA protein (p.Pro7Thr).